The following is an entry in ClinVar:

ClinVar aggregate classification (germline): Pathogenic/Likely pathogenic. Review status: criteria provided, multiple submitters, no conflicts (2 of 4 stars). 9 submissions from 9 submitters: Pathogenic (3); Likely pathogenic (6). Last evaluated 2026-07-29.

Conditions:
Retinal dystrophy. Also called: Inherited retinal dystrophy. Identifiers: Orphanet 71862, MedGen C0854723, MeSH D058499, MONDO:0019118, HP:0000556.
Retinitis pigmentosa (RP). Identifiers: Orphanet 791, MedGen C0035334, MeSH D012174, MONDO:0019200, OMIM 268000. Inheritance: Autosomal dominant, autosomal recessive and X linked inheritance.
Retinitis pigmentosa 25 (RP25). Identifiers: Orphanet 791, MedGen C1864446, MONDO:0011272, OMIM 602772.
EYS-related disorder. Also called: EYS-related condition.

Submissions (9):

PreventionGenetics, part of Exact Sciences
Classification: Likely pathogenic for EYS-related condition. Last evaluated: 2026-07-29. Review status: criteria provided, single submitter. Criteria: ACMG Guidelines, 2015. Collection method: clinical testing. Allele origin: germline.
Comment: The EYS c.525_527delGGA variant is predicted to result in an in-frame deletion (p.Glu176del). This variant has been reported in the compound heterozygous state or along with a second EYS variant in individuals with retinitis pigmentosa (Iwanami et al. 2019. PubMed ID: 31814702; Table S4, Panneman et al. 2023. PubMed ID: 36819107). This variant was also detected in two cohorts of individuals with retinitis pigmentosa (Table S4, Kim et al. 2021. PubMed ID: 33946315; Supplementary Table 2, Han et al. 2025. PubMed ID: 39843441); however, additional genetic and patient information was not provided. This variant is reported in 0.14% of alleles in individuals of East Asian descent in gnomAD. This variant is interpreted as likely pathogenic.

Labcorp Genetics (formerly Invitae), Labcorp
Classification: Likely pathogenic. Last evaluated: 2026-01-24. Review status: criteria provided, single submitter. Criteria: Invitae Variant Classification Sherloc (09022015). Collection method: clinical testing. Allele origin: germline.
Comment: This variant, c.525_527del, results in the deletion of 1 amino acid(s) of the EYS protein (p.Glu176del), but otherwise preserves the integrity of the reading frame. This variant is present in population databases (rs780433094, gnomAD 0.2%). This variant has been observed in individuals with retinitis pigmentosa (PMID: 22363543, 31814702, 36819107; internal data). ClinVar contains an entry for this variant (Variation ID: 855639). Experimental studies and prediction algorithms are not available or were not evaluated, and the functional significance of this variant is currently unknown. In summary, the currently available evidence indicates that the variant is pathogenic, but additional data are needed to prove that conclusively. Therefore, this variant has been classified as Likely Pathogenic.

3billion
Classification: Pathogenic for Retinitis pigmentosa 25. Last evaluated: 2026-01-19. Review status: criteria provided, single submitter. Criteria: ACMG Guidelines, 2015. Collection method: clinical testing. Allele origin: germline. Affected: yes.
Comment: The variant is observed at an extremely low frequency in the gnomAD v4.1.0 dataset (total allele frequency: 0.006%). Predicted Consequence/Location: Inframe deletion located in a nonrepeat region: predicted to change the length of the protein and disrupt normal protein function. The variant has been reported to be in trans with a pathogenic variant as either compound heterozygous or homozygous in at least one similarly affected unrelated individual (PMID: 31814702). The variant has been reported at least twice as pathogenic with clinical assertions and evidence for the classification (ClinVar ID: VCV000855639 /PMID: 31814702 /3billion dataset). Therefore, this variant is classified as Pathogenic according to the recommendation of ACMG/AMP guideline.

Natera, Inc.
Classification: Pathogenic for Retinitis pigmentosa type 25. Last evaluated: 2026-01-14. Review status: criteria provided, single submitter. Criteria: Natera Variant Classification Schema (03/2026). Collection method: clinical testing. Allele origin: germline.
Comment: The c.525_527delGGA variant in EYS is an in-frame deletion predicted to remove glutamic acid at amino acid 176 while preserving the reading frame. This variant is rare in the general population with a frequency below the threshold expected for the associated phenotype(s). This variant has been observed in one or more individuals affected with the associated recessive disease, as either homozygous or compound heterozygous with a second variant (PMID: 36819107, 31814702). This variant results in a change to the protein length while preserving reading frame, which may disrupt normal protein structure or function. Given the available evidence, this variant is classified as Pathogenic.

Women's Health and Genetics/Laboratory Corporation of America, LabCorp
Classification: Likely pathogenic for Retinitis pigmentosa. Last evaluated: 2024-07-09. Review status: criteria provided, single submitter. Criteria: LabCorp Variant Classification Summary - May 2015. Collection method: clinical testing. Allele origin: germline.
Comment: Variant summary: EYS c.525_527delGGA (p.Glu176del) results in an in-frame deletion that is predicted to remove 1 amino acid from the encoded protein. The variant allele was found at a frequency of 0.0001 in 251260 control chromosomes, predominantly at a frequency of 0.0014 within the East Asian subpopulation in the gnomAD database. This frequency is not significantly higher than estimated for a pathogenic variant in EYS causing Retinitis Pigmentosa (0.0001 vs 0.0034), allowing no conclusion about variant significance. c.525_527delGGA has been reported in the literature in individuals affected with Retinitis Pigmentosa (e.g. Iwanami_2019, Koyanagi_2019, Numa_2020, Kim_2021, Panneman_2023). These data indicate that the variant is likely to be associated with disease. To our knowledge, no experimental evidence demonstrating an impact on protein function has been reported. The following publications have been ascertained in the context of this evaluation (PMID: 22363543, 31814702, 33946315, 34721897, 31213501, 33247286, 36819107). ClinVar contains an entry for this variant (Variation ID: 855639). Based on the evidence outlined above, the variant was classified as likely pathogenic.

Revvity Omics, Revvity
Classification: Likely pathogenic for Retinitis pigmentosa 25. Last evaluated: 2024-06-10. Review status: criteria provided, single submitter. Criteria: ACMG Guidelines, 2015. Collection method: clinical testing. Allele origin: germline.

Fulgent Genetics
Classification: Likely pathogenic for Retinitis pigmentosa 25. Last evaluated: 2024-04-15. Review status: criteria provided, single submitter. Criteria: ACMG Guidelines, 2015. Collection method: clinical testing. Allele origin: germline.

Dept Of Ophthalmology, Nagoya University
Classification: Pathogenic for Retinal dystrophy. Last evaluated: 2023-10-01. Review status: criteria provided, single submitter. Criteria: Submitter's publication. Collection method: research. Allele origin: germline. Affected: yes.

Blueprint Genetics
Classification: Likely pathogenic for EYS-related disorders. Last evaluated: 2022-08-31. Review status: criteria provided, single submitter. Criteria: ACMG Guidelines, 2015. Collection method: clinical testing. Allele origin: germline. Affected: yes. Observed: 5 variant alleles.

Literature cited by the submitters: PubMed 22363543 (cited by Labcorp Genetics (formerly Invitae), Labcorp and Women's Health and Genetics/Laboratory Corporation of America, LabCorp); PubMed 31814702 (cited by 4 submitters); PubMed 36819107 (cited by 3 submitters); PubMed 31213501 (cited by Women's Health and Genetics/Laboratory Corporation of America, LabCorp); PubMed 33247286 (cited by Women's Health and Genetics/Laboratory Corporation of America, LabCorp); PubMed 33946315 (cited by Women's Health and Genetics/Laboratory Corporation of America, LabCorp); PubMed 34721897 (cited by Women's Health and Genetics/Laboratory Corporation of America, LabCorp).

NM_001142800.2(EYS):c.525_527del (p.Glu176del)

Gene: EYS (EGF-like photoreceptor maintenance factor; minus strand). Cytogenetic location: 6q12.
Variant type: Deletion.
Coding change: c.525_527del on transcript NM_001142800.2 (MANE Select); coding-DNA positions 525 to 527, 3 bases deleted (GGA; older notation c.525_527delGGA).
Protein change: p.Glu176del; deletes glutamic acid 176.
Molecular consequence: inframe deletion.
Genome position (GRCh38, 1-based): chr6:65,494,884-65,494,886, TCC deleted on the plus strand (GGA on the coding strand, the reverse complement: EYS is on the minus strand); deleting any 3 consecutive bases within chr6:65,494,884-65,494,887 gives the same sequence; the c. name uses the placement nearest the transcript's 3' end. VCF-style (leftmost placement, unchanged base first): chr6-65494883-TTCC-T. GRCh37 (hg19) VCF-style: chr6-66204776-TTCC-T.
Other names: c.525_527del, p.Glu176del (NM_001142801.2, NM_001292009.2, NM_198283.2); c.525_527delGGA (NM_001142800.2, NM_001142800.1); short protein forms E176del.
Identifiers: ClinVar variation 855639 (VCV000855639.28), dbSNP rs780433094, ClinGen allele CA3878060.
Genomic context (GRCh38, chr6:65,494,883, plus strand): 5'-CTTGCTCCAAGCTTCACTAAGACATTTACCATGACCAGAGCAAAATTCTGAACTCAGAGA[TTCC>T]TGGCAGAACTGCTGTTTCACTGTCACATTTAGTCGAAGTCCCAGTGGACAAGGTGATGGA-3'